The following is an entry in ClinVar:

ClinVar aggregate classification (germline): Likely pathogenic (1 of 4 stars; one submission).

Conditions:
Cardiovascular phenotype. Identifiers: MedGen CN230736.

Allele frequency attached by ClinVar (database versions not stated): gnomAD 0.00001.
gnomAD v4.1: 1 of 1,612,920 alleles (0.000062%); highest among the groups gnomAD compares: Non-Finnish European, 0.000085%; no homozygotes.

Submission:

Ambry Genetics
Classification: Likely pathogenic for Cardiovascular phenotype. Last evaluated: 2019-06-07. Review status: criteria provided, single submitter. Criteria: Ambry Variant Classification Scheme 2023. Collection method: clinical testing. Allele origin: germline.
Comment: The c.30067+1G>A intronic variant results from a G to A substitution one nucleotide after coding exon 120 of the TTN gene. This exon is located in the A-band region of the N2-B isoform of the titin protein and is constitutively expressed in TTN transcripts (percent spliced in or PSI 100%). This nucleotide position is highly conserved in available vertebrate species. Using the BDGP and ESEfinder splice site prediction tools, this alteration is predicted to abolish the native splice donor site; however, direct evidence is unavailable. This variant disrupts the canonical splice site and is expected to cause aberrant splicing, resulting in an abnormal protein or a transcript that is subject to nonsense-mediated mRNA decay. While loss of function variants in TTN are present in 1-3% of the general population, truncating variants in the A-band are the most common cause of dilated cardiomyopathy (DCM), and TTN truncating variants encoded in constitutive exons (PSI >90%) have been found to be significantly associated with DCM regardless of their position in titin (Herman DS et al. N. Engl. J. Med. 2012 Feb;366:619-28; Roberts AM et al. Sci Transl Med. 2015 Jan;7:270ra6; Schafer S et al. Nat. Genet. 2017 Jan;49:46-53). As such, this alteration is classified as likely pathogenic.

NM_001267550.2(TTN):c.57262+1G>A

Genes: TTN (titin; minus strand), TTN-AS1 (TTN antisense RNA 1; plus strand). Cytogenetic location: 2q31.2.
Variant type: single nucleotide variant.
Coding change: c.57262+1G>A on transcript NM_001267550.2 (MANE Select); the canonical splice donor site of the intron after coding-DNA position 57262, G replaced by A.
Molecular consequence: splice donor variant.
Genome position (GRCh38, 1-based): chr2:178,597,907, C>T on the plus strand (G>A on the coding strand, the complement: TTN is on the minus strand). VCF-style: chr2-178597907-C-T. GRCh37 (hg19) VCF-style: chr2-179462634-C-T.
Other names: c.30067+1G>A (NM_003319.4); c.30643+1G>A (NM_133437.4); c.30442+1G>A (NM_133432.3); c.49558+1G>A (NM_133378.4); c.52339+1G>A (NM_001256850.1).
Identifiers: ClinVar variation 1798740 (VCV001798740.2), dbSNP rs1468372318, ClinGen allele CA349522258.